The following is an entry in ClinVar:

ClinVar aggregate classification (germline): Likely benign (1 of 4 stars; one submission).

Allele frequency attached by ClinVar (database versions not stated): TOPMed 0.00011; ExAC 0.00024; ESP Exome Variant Server 0.00029.
gnomAD v4.1: 276 of 1,209,883 alleles (0.023%); highest among the groups gnomAD compares: Non-Finnish European, 0.03%; no homozygotes.

Submission:

CeGaT Center for Human Genetics Tuebingen
Classification: Likely benign. Last evaluated: 2023-01-01. Review status: criteria provided, single submitter. Criteria: CeGaT Center For Human Genetics Tuebingen Variant Classification Criteria Version 2. Collection method: clinical testing. Allele origin: germline. Affected: yes. Observed: 1 variant allele.
Comment: NALF2: BP4, BP7, BS2

NM_015686.3(NALF2):c.471C>T (p.Phe157=)

Gene: NALF2 (NALCN channel auxiliary factor 2; plus strand). Cytogenetic location: Xq13.1.
Variant type: single nucleotide variant.
Coding change: c.471C>T on transcript NM_015686.3 (MANE Select); coding-DNA position 471, C replaced by T.
Protein change: p.Phe157=; no amino-acid change (phenylalanine 157 retained).
Molecular consequence: synonymous variant.
Genome position (GRCh38, 1-based): chrX:69,505,753, C>T. VCF-style: chrX-69505753-C-T. GRCh37 (hg19) VCF-style: chrX-68725596-C-T.
Identifiers: ClinVar variation 2660799 (VCV002660799.24), dbSNP rs144542226, ClinGen allele CA10438614.
Genomic context (GRCh38, chrX:69,505,753, plus strand): 5'-CCCAGAGCCCACGGGGCTGGACGCAGCTTGCACCAAATTGCAATCTTTGCAGAGACTTTT[C>T]GAACCGACTACTCCGGCCCCCCCTCTGCGGCCCCCTGACTCCCTTTCCCGTGCCCCGGCC-3'
Protein context (NP_056501.2, residues 147-167): CTKLQSLQRL[Phe157=]EPTTPAPPLR